The following is an entry in ClinVar:

NM_000834.5(GRIN2B):c.4057A>G (p.Lys1353Glu)

Gene: GRIN2B (glutamate ionotropic receptor NMDA type subunit 2B; minus strand). Cytogenetic location: 12p13.1.
Variant type: single nucleotide variant.
Coding change: c.4057A>G on transcript NM_000834.5 (MANE Select); coding-DNA position 4057, A replaced by G.
Protein change: p.Lys1353Glu; replaces lysine 1353 with glutamic acid.
Molecular consequence: missense variant.
Genome position (GRCh38, 1-based): chr12:13,563,181, T>C on the plus strand (A>G on the coding strand, the complement: GRIN2B is on the minus strand). VCF-style: chr12-13563181-T-C. GRCh37 (hg19) VCF-style: chr12-13716115-T-C.
Other names: p.Lys1353Glu; c.4057A>G, p.Lys1353Glu (NM_001413992.1); short protein forms K1353E.
Identifiers: ClinVar variation 2628102 (VCV002628102.1), dbSNP rs1555101757, ClinGen allele CA383986754.

ClinVar aggregate classification (germline): Uncertain significance (0 of 4 stars; one submission).

Conditions:
Intellectual developmental disorder, autosomal dominant 6, with or without seizures. Also called: GRIN2B-related developmental delay, intellectual disability and autism spectrum disorder; Intellectual disability, autosomal dominant 6. Identifiers: Orphanet 589547, MedGen C3151411, MONDO:0013509, OMIM 613970.

Submission:

Clinical Genomics Laboratory, Stanford Medicine
Classification: Uncertain significance for Intellectual developmental disorder, autosomal dominant 6, with or without seizures. Last evaluated: 2020-11-02. Review status: no assertion criteria provided. Collection method: clinical testing. Allele origin: germline. Inheritance: Autosomal dominant inheritance. Affected: yes. Observed: 1 heterozygote.
Comment: The p.Lys1353Glu variant in the GRIN2B gene has not been previously reported in association with disease. This variant was absent from large population databases, including the Genome Aggregation Database. The GRIN2B gene has fewer missense variants in the general population than expected. A low rate of missense variation may suggest that this gene is intolerant to missense variation. These data were assessed using the ACMG/AMP variant interpretation guidelines. In summary, the significance of the p.Lys1353Glu variant is uncertain. Additional information is needed to resolve the significance of this variant. [ACMG evidence codes used: PM2; PP2]